The following is an entry in ClinVar:

NM_001365276.2(TNXB):c.6820G>C (p.Val2274Leu)

Gene: TNXB (tenascin XB; minus strand). Cytogenetic location: 6p21.33.
Variant type: single nucleotide variant.
Coding change: c.6820G>C on transcript NM_001365276.2 (MANE Select); coding-DNA position 6820, G replaced by C.
Protein change: p.Val2274Leu; replaces valine 2274 with leucine.
Molecular consequence: missense variant.
Genome position (GRCh38, 1-based): chr6:32,064,842, C>G on the plus strand (G>C on the coding strand, the complement: TNXB is on the minus strand). VCF-style: chr6-32064842-C-G. GRCh37 (hg19) VCF-style: chr6-32032619-C-G.
Other names: p.Val2274Leu; c.6820G>C (NM_019105.6); c.6820G>C, p.Val2274Leu (NM_019105.8); short protein forms V2274L.
Identifiers: ClinVar variation 2437167 (VCV002437167.5), dbSNP rs777941950, ClinGen allele CA363554904.

ClinVar aggregate classification (germline): Uncertain significance. Review status: criteria provided, multiple submitters, no conflicts (2 of 4 stars). 3 submissions from 3 submitters: Uncertain significance (3). Last evaluated 2025-12-05.

Conditions:
Vesicoureteral reflux 8 (VUR8). Identifiers: Orphanet 289365, MedGen C4014831, MONDO:0014422, OMIM 615963.
Cardiovascular phenotype. Identifiers: MedGen CN230736.

Allele frequency attached by ClinVar (database versions not stated): gnomAD 0.00002.
gnomAD v4.1: 55 of 1,610,518 alleles (0.0034%); highest among the groups gnomAD compares: Non-Finnish European, 0.0045%; no homozygotes.

Submissions (3):

Mayo Clinic Laboratories, Mayo Clinic
Classification: Uncertain significance. Last evaluated: 2025-12-05. Review status: criteria provided, single submitter. Criteria: ACMG Guidelines, 2015. Collection method: clinical testing. Allele origin: germline. Observed: 1 variant allele.
Comment: BP4_moderate

Ambry Genetics
Classification: Uncertain significance for Cardiovascular phenotype. Last evaluated: 2025-04-12. Review status: criteria provided, single submitter. Criteria: Ambry Variant Classification Scheme 2023. Collection method: clinical testing. Allele origin: germline.

Revvity Omics, Revvity
Classification: Uncertain significance for Vesicoureteral reflux 8. Last evaluated: 2021-04-28. Review status: criteria provided, single submitter. Criteria: ACMG Guidelines, 2015. Collection method: clinical testing. Allele origin: germline.